The following is an entry in ClinVar:

ClinVar aggregate classification (germline): Conflicting classifications of pathogenicity. Review status: criteria provided, conflicting classifications (1 of 4 stars). 5 submissions from 5 submitters: Uncertain significance (3); Likely benign (2). Last evaluated 2025-12-17.

Conditions:
Spermatogenic failure 18. Identifiers: MedGen C4539783, MONDO:0054615, OMIM 617576.
Ciliary dyskinesia, primary, 37 (CILD37). Also called: CILIARY DYSKINESIA, PRIMARY, 37, WITH OR WITHOUT SITUS INVERSUS. Identifiers: MedGen C4539798, MONDO:0033204, OMIM 617577.
DNAH1-related disorder. Also called: DNAH1-related condition.

Allele frequency attached by ClinVar (database versions not stated): 1000 Genomes Project 0.00040; 1000 Genomes Project 30x 0.00047; TOPMed 0.00066; gnomAD 0.00076 and 0.00079; ESP Exome Variant Server 0.00086; gnomAD exomes 0.00093 and 0.00114; ExAC 0.00161.
gnomAD v4.1: 1,752 of 1,606,410 alleles (0.11%); highest among the groups gnomAD compares: South Asian, 0.22%; 4 homozygotes.

Submissions (5):

Labcorp Genetics (formerly Invitae), Labcorp
Classification: Likely benign for Ciliary dyskinesia, primary, 37; Spermatogenic failure 18. Last evaluated: 2025-12-17. Review status: criteria provided, single submitter. Criteria: Invitae Variant Classification Sherloc (09022015). Collection method: clinical testing. Allele origin: germline.

Mayo Clinic Laboratories, Mayo Clinic
Classification: Uncertain significance. Last evaluated: 2025-05-06. Review status: criteria provided, single submitter. Criteria: ACMG Guidelines, 2015. Collection method: clinical testing. Allele origin: germline. Observed: 1 variant allele.

PreventionGenetics, part of Exact Sciences
Classification: Likely benign for DNAH1-related condition. Last evaluated: 2024-12-04. Review status: criteria provided, single submitter. Criteria: ACMG Guidelines, 2015. Collection method: clinical testing. Allele origin: germline.
Comment: This variant is classified as likely benign based on ACMG/AMP sequence variant interpretation guidelines (Richards et al. 2015 PMID: 25741868, with internal and published modifications).

GeneDx
Classification: Uncertain significance. Last evaluated: 2024-02-20. Review status: criteria provided, single submitter. Criteria: GeneDx Variant Classification Process June 2021. Collection method: clinical testing. Allele origin: germline.
Comment: In silico analysis supports that this missense variant has a deleterious effect on protein structure/function; Has not been previously published as pathogenic or benign to our knowledge

Johns Hopkins Genomics, Johns Hopkins University
Classification: Uncertain significance for Ciliary dyskinesia, primary, 37. Last evaluated: 2023-04-07. Review status: criteria provided, single submitter. Criteria: ACMG Guidelines, 2015. Collection method: clinical testing. Allele origin: germline.
Comment: This DNAH1 missense variant (rs200839854) is rare (<0.1%) in a large population dataset (gnomAD v2.1.1: 241/265762 total alleles; 0.091%; no homozygotes). It has been reported in ClinVar (Variation ID 767570), but not in the literature, to our knowledge. Two bioinformatic tools queried predict that this substitution would be damaging. While the asparagine residue at this position is evolutionarily conserved across many of the species assessed, a few species have a different amino acid at this position including 3 species with serine. The contribution of DNAH1 to primary ciliary dyskinesia has not been confirmed. We consider the clinical significance of c.7742A>G; p.Asn2581Ser in DNAH1 to be uncertain at this time.

NM_015512.5(DNAH1):c.7742A>G (p.Asn2581Ser)

Gene: DNAH1 (dynein axonemal heavy chain 1; plus strand). Cytogenetic location: 3p21.1.
Variant type: single nucleotide variant.
Coding change: c.7742A>G on transcript NM_015512.5 (MANE Select); coding-DNA position 7742, A replaced by G.
Protein change: p.Asn2581Ser; replaces asparagine 2581 with serine.
Molecular consequence: missense variant.
Genome position (GRCh38, 1-based): chr3:52,381,773, A>G. VCF-style: chr3-52381773-A-G. GRCh37 (hg19) VCF-style: chr3-52415789-A-G.
Other names: p.Asn2581Ser; short protein forms N2581S.
Identifiers: ClinVar variation 767570 (VCV000767570.15), dbSNP rs200839854, ClinGen allele CA2434962.